The following is an entry in ClinVar:

NM_001931.5(DLAT):c.1567A>G (p.Thr523Ala)

Genes: DLAT (dihydrolipoamide S-acetyltransferase; plus strand), PIH1D2 (PIH1 domain containing 2; minus strand). Cytogenetic location: 11q23.1.
Variant type: single nucleotide variant.
Coding change: c.1567A>G on transcript NM_001931.5 (MANE Select); coding-DNA position 1567, A replaced by G.
Protein change: p.Thr523Ala; replaces threonine 523 with alanine.
Molecular consequence: missense variant. On other transcripts: non-coding transcript variant (1).
Genome position (GRCh38, 1-based): chr11:112,059,955, A>G. VCF-style: chr11-112059955-A-G. GRCh37 (hg19) VCF-style: chr11-111930679-A-G.
Other names: c.1585A>G, p.Thr529Ala (NM_001372031.1); c.1561A>G, p.Thr521Ala (NM_001372032.1); c.1546A>G, p.Thr516Ala (NM_001372033.1); c.1534A>G, p.Thr512Ala (NM_001372034.1); c.1459A>G, p.Thr487Ala (NM_001372035.1); c.1441A>G, p.Thr481Ala (NM_001372036.1); c.1399A>G, p.Thr467Ala (NM_001372037.1); c.1288A>G, p.Thr430Ala (NM_001372038.1); and 4 more; short protein forms T382A, T396A, T487A, T516A, T529A, T430A, T467A, T481A.
Identifiers: ClinVar variation 1362932 (VCV001362932.8), dbSNP rs2135156193, ClinGen allele CA382617562.

ClinVar aggregate classification (germline): Uncertain significance (1 of 4 stars; one submission).

Conditions:
Pyruvate dehydrogenase E2 deficiency (PDHDD). Also called: Dihydrolipoamide Acetyltransferase (E2) Deficiency; LACTIC ACIDEMIA DUE TO DEFECT OF E2 LIPOYL TRANSACETYLASE OF THE PYRUVATE DEHYDROGENASE COMPLEX. Identifiers: Orphanet 765, Orphanet 79244, MedGen C1855565, MONDO:0009502, OMIM 245348.

Submission:

Labcorp Genetics (formerly Invitae), Labcorp
Classification: Uncertain significance for Pyruvate dehydrogenase E2 deficiency. Last evaluated: 2022-03-03. Review status: criteria provided, single submitter. Criteria: Invitae Variant Classification Sherloc (09022015). Collection method: clinical testing. Allele origin: germline.
Comment: In summary, the available evidence is currently insufficient to determine the role of this variant in disease. Therefore, it has been classified as a Variant of Uncertain Significance. Algorithms developed to predict the effect of missense changes on protein structure and function (SIFT, PolyPhen-2, Align-GVGD) all suggest that this variant is likely to be disruptive. This variant has not been reported in the literature in individuals affected with DLAT-related conditions. This variant is not present in population databases (gnomAD no frequency). This sequence change replaces threonine, which is neutral and polar, with alanine, which is neutral and non-polar, at codon 523 of the DLAT protein (p.Thr523Ala).